The following is an entry in ClinVar:

NM_020821.3(VPS13C):c.8988A>G (p.Pro2996=)

Gene: VPS13C (vacuolar protein sorting 13 homolog C; minus strand). Cytogenetic location: 15q22.2.
Variant type: single nucleotide variant.
Coding change: c.8988A>G on transcript NM_020821.3 (MANE Select); coding-DNA position 8988, A replaced by G.
Protein change: p.Pro2996=; no amino-acid change (proline 2996 retained).
Molecular consequence: synonymous variant.
Genome position (GRCh38, 1-based): chr15:61,907,381, T>C on the plus strand (A>G on the coding strand, the complement: VPS13C is on the minus strand). VCF-style: chr15-61907381-T-C. GRCh37 (hg19) VCF-style: chr15-62199580-T-C.
Other names: c.8988A>G, p.Pro2996= (NM_001018088.3); c.8859A>G, p.Pro2953= (NM_017684.5, NM_018080.4).
Identifiers: ClinVar variation 2682588 (VCV002682588.2), dbSNP rs9920256, ClinGen allele CA7594799.

ClinVar aggregate classification (germline): Likely benign. Review status: criteria provided, multiple submitters, no conflicts (2 of 4 stars). 2 submissions from 2 submitters: Likely benign (2). Last evaluated 2024-10-31.

gnomAD v4.1: 37 of 1,613,664 alleles (0.0023%); highest among the groups gnomAD compares: Non-Finnish European, 0.0031%; no homozygotes.

Submissions (2):

Blueprint Genetics
Classification: Likely benign. Last evaluated: 2024-10-31. Review status: criteria provided, single submitter. Criteria: ACMG Guidelines, 2015. Collection method: clinical testing. Allele origin: germline.

Women's Health and Genetics/Laboratory Corporation of America, LabCorp
Classification: Likely benign. Last evaluated: 2023-11-16. Review status: criteria provided, single submitter. Criteria: LabCorp Variant Classification Summary - May 2015. Collection method: clinical testing. Allele origin: germline.
Comment: Variant summary: VPS13C c.8988A>G alters a non-conserved nucleotide resulting in a synonymous change. Consensus agreement among computation tools predict no significant impact on normal splicing. However, these predictions have yet to be confirmed by functional studies. The variant allele was found at a frequency of 5.2e-05 in 250960 control chromosomes (gnomAD). The available data on variant occurrences in the general population are insufficient to allow any conclusion about variant significance. To our knowledge, no occurrence of c.8988A>G in individuals affected with Parkinson Disease 23, Autosomal Recessive Early-Onset and no experimental evidence demonstrating its impact on protein function have been reported. No submitters have reported clinical-significance assessments for this variant to ClinVar after 2014. Based on the evidence outlined above, the variant was classified as likely benign.